The following is an entry in ClinVar:

NM_000709.4(BCKDHA):c.709G>A (p.Gly237Ser)

Gene: BCKDHA (branched chain keto acid dehydrogenase E1 subunit alpha; plus strand). Cytogenetic location: 19q13.2.
Variant type: single nucleotide variant.
Coding change: c.709G>A on transcript NM_000709.4 (MANE Select); coding-DNA position 709, G replaced by A.
Protein change: p.Gly237Ser; replaces glycine 237 with serine.
Molecular consequence: missense variant.
Genome position (GRCh38, 1-based): chr19:41,422,226, G>A. VCF-style: chr19-41422226-G-A. GRCh37 (hg19) VCF-style: chr19-41928131-G-A.
Other names: c.709G>A, p.Gly237Ser (NM_001164783.2); short protein forms G237S.
Identifiers: ClinVar variation 1757140 (VCV001757140.5), dbSNP rs2513459743, ClinGen allele CA406012781.

ClinVar aggregate classification (germline): Uncertain significance. Review status: criteria provided, multiple submitters, no conflicts (2 of 4 stars). 2 submissions from 2 submitters: Uncertain significance (2). Last evaluated 2022-05-06.

Conditions:
Maple syrup urine disease (MSUD). Identifiers: Orphanet 511, MedGen C0024776, MeSH D008375, MONDO:0009563. Disease mechanism: loss of function.
Inborn genetic diseases. Identifiers: MedGen C0950123, MeSH D030342.

Allele frequency attached by ClinVar (database versions not stated): gnomAD exomes 0.00001.
gnomAD v4.1: 5 of 1,614,164 alleles (0.00031%); highest among the groups gnomAD compares: Non-Finnish European, 0.00042%; no homozygotes.

Submissions (2):

Labcorp Genetics (formerly Invitae), Labcorp
Classification: Uncertain significance for Maple syrup urine disease. Last evaluated: 2022-05-06. Review status: criteria provided, single submitter. Criteria: Invitae Variant Classification Sherloc (09022015). Collection method: clinical testing. Allele origin: germline.
Comment: This sequence change replaces glycine, which is neutral and non-polar, with serine, which is neutral and polar, at codon 237 of the BCKDHA protein (p.Gly237Ser). This variant is not present in population databases (gnomAD no frequency). This variant has not been reported in the literature in individuals affected with BCKDHA-related conditions. Advanced modeling of protein sequence and biophysical properties (such as structural, functional, and spatial information, amino acid conservation, physicochemical variation, residue mobility, and thermodynamic stability) performed at Invitae indicates that this missense variant is expected to disrupt BCKDHA protein function. Algorithms developed to predict the effect of sequence changes on RNA splicing suggest that this variant may create or strengthen a splice site. In summary, the available evidence is currently insufficient to determine the role of this variant in disease. Therefore, it has been classified as a Variant of Uncertain Significance.

Ambry Genetics
Classification: Uncertain significance for Inborn genetic diseases. Last evaluated: 2021-07-18. Review status: criteria provided, single submitter. Criteria: Ambry Variant Classification Scheme 2023. Collection method: clinical testing. Allele origin: germline.
Comment: The p.G237S variant (also known as c.709G>A), located in coding exon 6 of the BCKDHA gene, results from a G to A substitution at nucleotide position 709. The glycine at codon 237 is replaced by serine, an amino acid with similar properties. This amino acid position is conserved. In addition, this alteration is predicted to be deleterious by in silico analysis. Since supporting evidence is limited at this time, the clinical significance of this alteration remains unclear.